The following is an entry in ClinVar:

ClinVar aggregate classification (germline): Pathogenic (1 of 4 stars; one submission).

Submission:

CeGaT Center for Human Genetics Tuebingen
Classification: Pathogenic. Last evaluated: 2024-08-01. Review status: criteria provided, single submitter. Criteria: CeGaT Center For Human Genetics Tuebingen Variant Classification Criteria Version 2. Collection method: clinical testing. Allele origin: germline. Affected: yes. Observed: 1 variant allele.
Comment: NF1: PVS1, PM2

NM_001042492.3(NF1):c.5680_5683del (p.Glu1894fs)

Gene: NF1 (neurofibromin 1; plus strand). Cytogenetic location: 17q11.2.
Variant type: Deletion.
Coding change: c.5680_5683del on transcript NM_001042492.3 (MANE Select); coding-DNA positions 5680 to 5683, 4 bases deleted (GAGA; older notation c.5680_5683delGAGA).
Protein change: p.Glu1894fs; shifts the reading frame from glutamic acid 1894.
Molecular consequence: frameshift variant.
Genome position (GRCh38, 1-based): chr17:31,330,366-31,330,369, GAGA deleted; deleting any 4 consecutive bases within chr17:31,330,365-31,330,369 gives the same sequence; the c. name uses the placement nearest the transcript's 3' end. VCF-style (leftmost placement, unchanged base first): chr17-31330364-TAGAG-T. GRCh37 (hg19) VCF-style: chr17-29657382-TAGAG-T.
Other names: c.5617_5620delGAGA, p.Glu1873Hisfs (NM_000267.4); short protein forms E1873fs, E1894fs.
Identifiers: ClinVar variation 3342071 (VCV003342071.16).